The following is an entry in ClinVar:

ClinVar aggregate classification (germline): Uncertain significance (1 of 4 stars; one submission).

Submission:

Labcorp Genetics (formerly Invitae), Labcorp
Classification: Uncertain significance. Last evaluated: 2025-01-30. Review status: criteria provided, single submitter. Criteria: Invitae Variant Classification Sherloc (09022015). Collection method: clinical testing. Allele origin: germline.
Comment: This sequence change replaces serine, which is neutral and polar, with cysteine, which is neutral and slightly polar, at codon 255 of the DEAF1 protein (p.Ser255Cys). This variant is not present in population databases (gnomAD no frequency). This variant has not been reported in the literature in individuals affected with DEAF1-related conditions. Invitae Evidence Modeling of protein sequence and biophysical properties (such as structural, functional, and spatial information, amino acid conservation, physicochemical variation, residue mobility, and thermodynamic stability) indicates that this missense variant is expected to disrupt DEAF1 protein function with a positive predictive value of 95%. In summary, the available evidence is currently insufficient to determine the role of this variant in disease. Therefore, it has been classified as a Variant of Uncertain Significance.

NM_021008.4(DEAF1):c.763A>T (p.Ser255Cys)

Gene: DEAF1 (DEAF1 transcription factor; minus strand). Cytogenetic location: 11p15.5.
Variant type: single nucleotide variant.
Coding change: c.763A>T on transcript NM_021008.4 (MANE Select); coding-DNA position 763, A replaced by T.
Protein change: p.Ser255Cys; replaces serine 255 with cysteine.
Molecular consequence: missense variant. On other transcripts: intron variant (1).
Genome position (GRCh38, 1-based): chr11:686,899, T>A on the plus strand (A>T on the coding strand, the complement: DEAF1 is on the minus strand). VCF-style: chr11-686899-T-A. GRCh37 (hg19) VCF-style: chr11-686899-T-A.
Other names: c.664+1012A>T (NM_001293634.2); c.37A>T, p.Ser13Cys (NM_001367390.1, NM_001440885.1, NM_001440886.1 and 1 more transcripts); c.763A>T, p.Ser255Cys (NM_001440883.1, NM_001440884.1); short protein forms S255C, S13C.
Identifiers: ClinVar variation 3719696 (VCV003719696.2).
Genomic context (GRCh38, chr11:686,899, plus strand): 5'-GTGAGGTCACGGACGATACCTGGATGAGGCACTGCAAGGGTCGGCCCGCGTAGCGAATGC[T>A]TCTTTTCCAGTCCTTACTGCTGGCTCTTCCTGCCATGGCCTCAAACTCGGTGGGACTGTA-3'
Protein context (NP_066288.2, residues 245-265): GRASSKDWKR[Ser255Cys]IRYAGRPLQC